The following is an entry in ClinVar:

ClinVar aggregate classification (germline): Uncertain significance (1 of 4 stars; one submission).

Submission:

Labcorp Genetics (formerly Invitae), Labcorp
Classification: Uncertain significance. Last evaluated: 2025-02-05. Review status: criteria provided, single submitter. Criteria: Invitae Variant Classification Sherloc (09022015). Collection method: clinical testing. Allele origin: germline.
Comment: This sequence change replaces serine, which is neutral and polar, with proline, which is neutral and non-polar, at codon 1219 of the USH2A protein (p.Ser1219Pro). This variant is not present in population databases (gnomAD no frequency). This variant has not been reported in the literature in individuals affected with USH2A-related conditions. ClinVar contains an entry for this variant (Variation ID: 2106201). Invitae Evidence Modeling of protein sequence and biophysical properties (such as structural, functional, and spatial information, amino acid conservation, physicochemical variation, residue mobility, and thermodynamic stability) indicates that this missense variant is not expected to disrupt USH2A protein function with a negative predictive value of 95%. In summary, the available evidence is currently insufficient to determine the role of this variant in disease. Therefore, it has been classified as a Variant of Uncertain Significance.

NM_206933.4(USH2A):c.3655T>C (p.Ser1219Pro)

Genes: USH2A (usherin; minus strand), USH2A-AS1 (USH2A antisense RNA 1; plus strand). Cytogenetic location: 1q41.
Variant type: single nucleotide variant.
Coding change: c.3655T>C on transcript NM_206933.4 (MANE Select); coding-DNA position 3655, T replaced by C.
Protein change: p.Ser1219Pro; replaces serine 1219 with proline.
Molecular consequence: missense variant.
Genome position (GRCh38, 1-based): chr1:216,199,783, A>G on the plus strand (T>C on the coding strand, the complement: USH2A is on the minus strand). VCF-style: chr1-216199783-A-G. GRCh37 (hg19) VCF-style: chr1-216373125-A-G.
Other names: c.3655T>C, p.Ser1219Pro (NM_007123.6); short protein forms S1219P.
Identifiers: ClinVar variation 2106201 (VCV002106201.4), dbSNP rs2528045958, ClinGen allele CA344867964.